The following is an entry in ClinVar:

NM_000138.5(FBN1):c.5038C>T (p.Gln1680Ter)

Gene: FBN1 (fibrillin 1; minus strand). Cytogenetic location: 15q21.1.
Variant type: single nucleotide variant.
Coding change: c.5038C>T on transcript NM_000138.5 (MANE Select); coding-DNA position 5038, C replaced by T.
Protein change: p.Gln1680Ter; replaces glutamine 1680 with a stop codon.
Molecular consequence: nonsense.
Genome position (GRCh38, 1-based): chr15:48,463,926, G>A on the plus strand (C>T on the coding strand, the complement: FBN1 is on the minus strand). VCF-style: chr15-48463926-G-A. GRCh37 (hg19) VCF-style: chr15-48756123-G-A.
Other names: short protein forms Q1680*.
Identifiers: ClinVar variation 237094 (VCV000237094.7), dbSNP rs878853685, ClinGen allele CA10583244.

ClinVar aggregate classification (germline): Pathogenic (1 of 4 stars; one submission).

Conditions:
Marfan syndrome (MFS). Also called: MARFAN SYNDROME, TYPE I; FBN1-Related Marfan Syndrome; Marfan syndrome, classic; Marfan syndrome type 1; Marfan's syndrome. Identifiers: Orphanet 284963, Orphanet 558, MedGen C0024796, MONDO:0007947, OMIM 154700.
Familial thoracic aortic aneurysm and aortic dissection (TAAD). Also called: Thoracic aortic aneurysms and dissections. Identifiers: Orphanet 91387, MedGen C4707243, MONDO:0019625.

Submission:

Labcorp Genetics (formerly Invitae), Labcorp
Classification: Pathogenic for Marfan syndrome; Familial thoracic aortic aneurysm and aortic dissection. Last evaluated: 2021-03-10. Review status: criteria provided, single submitter. Criteria: Invitae Variant Classification Sherloc (09022015). Collection method: clinical testing. Allele origin: germline.
Comment: For these reasons, this variant has been classified as Pathogenic. This variant has not been reported in the literature in individuals with FBN1-related conditions. ClinVar contains an entry for this variant (Variation ID: 237094). This variant is not present in population databases (ExAC no frequency). This sequence change creates a premature translational stop signal (p.Gln1680*) in the FBN1 gene. It is expected to result in an absent or disrupted protein product. Loss-of-function variants in FBN1 are known to be pathogenic (PMID: 17657824, 19293843).

Literature cited by the submitters: PubMed 17657824; PubMed 19293843.